The following is an entry in ClinVar:

NM_003978.5(PSTPIP1):c.741+273C>T

Gene: PSTPIP1 (proline-serine-threonine phosphatase interacting protein 1; plus strand). Cytogenetic location: 15q24.3.
Variant type: single nucleotide variant.
Coding change: c.741+273C>T on transcript NM_003978.5 (MANE Select); 273 bases into the intron after coding-DNA position 741, C replaced by T.
Molecular consequence: intron variant.
Genome position (GRCh38, 1-based): chr15:77,031,551, C>T. VCF-style: chr15-77031551-C-T. GRCh37 (hg19) VCF-style: chr15-77323892-C-T.
Other names: c.936+273C>T (NM_001321137.1); c.714+273C>T (NM_001321136.2); c.741+273C>T (NM_001321135.2).
Identifiers: ClinVar variation 674254 (VCV000674254.2), dbSNP rs79732372, ClinGen allele CA15846205.

ClinVar aggregate classification (germline): Benign. Review status: criteria provided, multiple submitters, no conflicts (2 of 4 stars). 2 submissions from 2 submitters: Benign (2). Last evaluated 2018-06-19.

Allele frequency attached by ClinVar (database versions not stated): gnomAD exomes 0.00642; gnomAD 0.02471 and 0.02610; 1000 Genomes Project 0.02756; 1000 Genomes Project 30x 0.02780; TOPMed 0.02833.
gnomAD v4.1: 4,981 of 341,868 alleles (1.5%); highest among the groups gnomAD compares: African/African-American, 7.5%; 145 homozygotes.

Submissions (2):

GeneDx
Classification: Benign. Last evaluated: 2018-06-19. Review status: criteria provided, single submitter. Criteria: GeneDx Variant Classification (06012015). Collection method: clinical testing. Allele origin: germline. Affected: yes.
Comment: This variant is considered likely benign or benign based on one or more of the following criteria: it is a conservative change, it occurs at a poorly conserved position in the protein, it is predicted to be benign by multiple in silico algorithms, and/or has population frequency not consistent with disease.

Breakthrough Genomics
Classification: Benign. Review status: criteria provided, single submitter. Criteria: ACMG Guidelines, 2015. Collection method: not provided. Allele origin: germline. Inheritance: Autosomal dominant inheritance. Affected: yes.